The following is an entry in ClinVar:

NM_014319.5(LEMD3):c.1108C>G (p.Pro370Ala)

Genes: LEMD3 (LEM domain containing 3; plus strand), LOC130008225 (ATAC-STARR-seq lymphoblastoid active region 6608; plus strand). Cytogenetic location: 12q14.3.
Variant type: single nucleotide variant.
Coding change: c.1108C>G on transcript NM_014319.5 (MANE Select); coding-DNA position 1108, C replaced by G.
Protein change: p.Pro370Ala; replaces proline 370 with alanine.
Molecular consequence: missense variant.
Genome position (GRCh38, 1-based): chr12:65,170,704, C>G. VCF-style: chr12-65170704-C-G. GRCh37 (hg19) VCF-style: chr12-65564484-C-G.
Other names: c.1108C>G, p.Pro370Ala (NM_001167614.2); short protein forms P370A.
Identifiers: ClinVar variation 3711717 (VCV003711717.2).

ClinVar aggregate classification (germline): Uncertain significance (1 of 4 stars; one submission).

Submission:

Labcorp Genetics (formerly Invitae), Labcorp
Classification: Uncertain significance. Last evaluated: 2025-01-27. Review status: criteria provided, single submitter. Criteria: Invitae Variant Classification Sherloc (09022015). Collection method: clinical testing. Allele origin: germline.
Comment: This sequence change replaces proline, which is neutral and non-polar, with alanine, which is neutral and non-polar, at codon 370 of the LEMD3 protein (p.Pro370Ala). This variant is not present in population databases (gnomAD no frequency). This variant has not been reported in the literature in individuals affected with LEMD3-related conditions. Invitae Evidence Modeling of protein sequence and biophysical properties (such as structural, functional, and spatial information, amino acid conservation, physicochemical variation, residue mobility, and thermodynamic stability) indicates that this missense variant is not expected to disrupt LEMD3 protein function with a negative predictive value of 80%. In summary, the available evidence is currently insufficient to determine the role of this variant in disease. Therefore, it has been classified as a Variant of Uncertain Significance.